The following is an entry in ClinVar:

NM_000143.4(FH):c.272C>T (p.Pro91Leu)

Gene: FH (fumarate hydratase; minus strand). Cytogenetic location: 1q43.
Variant type: single nucleotide variant.
Coding change: c.272C>T on transcript NM_000143.4 (MANE Select); coding-DNA position 272, C replaced by T.
Protein change: p.Pro91Leu; replaces proline 91 with leucine.
Molecular consequence: missense variant.
Genome position (GRCh38, 1-based): chr1:241,513,709, G>A on the plus strand (C>T on the coding strand, the complement: FH is on the minus strand). VCF-style: chr1-241513709-G-A. GRCh37 (hg19) VCF-style: chr1-241677009-G-A.
Other names: short protein forms P91L.
Identifiers: ClinVar variation 946064 (VCV000946064.13), dbSNP rs1455612736, ClinGen allele CA345441105.

ClinVar aggregate classification (germline): Uncertain significance. Review status: criteria provided, multiple submitters, no conflicts (2 of 4 stars). 2 submissions from 2 submitters: Uncertain significance (2). Last evaluated 2024-12-03.

Conditions:
Hereditary cancer-predisposing syndrome. Also called: Neoplastic Syndromes, Hereditary; Hereditary Cancer Syndrome; Tumor predisposition; Hereditary neoplastic syndrome. Identifiers: Orphanet 140162, MedGen C0027672, MeSH D009386, MONDO:0015356.

Allele frequency attached by ClinVar (database versions not stated): gnomAD exomes below 0.00001.

Submissions (2):

Ambry Genetics
Classification: Uncertain significance for Hereditary cancer-predisposing syndrome. Last evaluated: 2024-12-03. Review status: criteria provided, single submitter. Criteria: Ambry Variant Classification Scheme 2023. Collection method: clinical testing. Allele origin: germline.
Comment: The p.P91L variant (also known as c.272C>T), located in coding exon 3 of the FH gene, results from a C to T substitution at nucleotide position 272. The proline at codon 91 is replaced by leucine, an amino acid with similar properties. This amino acid position is not well conserved in available vertebrate species. In addition, this alteration is predicted to be deleterious by in silico analysis. Based on the available evidence, the clinical significance of this variant remains unclear.

Labcorp Genetics (formerly Invitae), Labcorp
Classification: Uncertain significance. Last evaluated: 2024-04-12. Review status: criteria provided, single submitter. Criteria: Invitae Variant Classification Sherloc (09022015). Collection method: clinical testing. Allele origin: germline.
Comment: This sequence change replaces proline, which is neutral and non-polar, with leucine, which is neutral and non-polar, at codon 91 of the FH protein (p.Pro91Leu). This variant is present in population databases (no rsID available, gnomAD 0.006%). This variant has not been reported in the literature in individuals affected with FH-related conditions. ClinVar contains an entry for this variant (Variation ID: 946064). Advanced modeling of protein sequence and biophysical properties (such as structural, functional, and spatial information, amino acid conservation, physicochemical variation, residue mobility, and thermodynamic stability) performed at Invitae indicates that this missense variant is expected to disrupt FH protein function with a positive predictive value of 95%. In summary, the available evidence is currently insufficient to determine the role of this variant in disease. Therefore, it has been classified as a Variant of Uncertain Significance.